The following is an entry in ClinVar:

ClinVar aggregate classification (germline): Uncertain significance (1 of 4 stars; one submission).

Conditions:
Wilson disease (WND). Also called: Wilson's disease. Identifiers: Orphanet 905, MedGen C0019202, MONDO:0010200, OMIM 277900. Disease mechanism: loss of function.

gnomAD v4.1: 1 of 1,611,218 alleles (0.000062%); no homozygotes.

Submission:

Labcorp Genetics (formerly Invitae), Labcorp
Classification: Uncertain significance for Wilson disease. Last evaluated: 2023-12-07. Review status: criteria provided, single submitter. Criteria: Invitae Variant Classification Sherloc (09022015). Collection method: clinical testing. Allele origin: germline.
Comment: This sequence change replaces threonine, which is neutral and polar, with alanine, which is neutral and non-polar, at codon 186 of the ATP7B protein (p.Thr186Ala). This variant is present in population databases (no rsID available, gnomAD 0.003%). This variant has not been reported in the literature in individuals affected with ATP7B-related conditions. ClinVar contains an entry for this variant (Variation ID: 2161882). Advanced modeling of protein sequence and biophysical properties (such as structural, functional, and spatial information, amino acid conservation, physicochemical variation, residue mobility, and thermodynamic stability) performed at Invitae indicates that this missense variant is not expected to disrupt ATP7B protein function with a negative predictive value of 95%. In summary, the available evidence is currently insufficient to determine the role of this variant in disease. Therefore, it has been classified as a Variant of Uncertain Significance.

NM_000053.4(ATP7B):c.556A>G (p.Thr186Ala)

Gene: ATP7B (ATPase copper transporting beta; minus strand). Cytogenetic location: 13q14.3.
Variant type: single nucleotide variant.
Coding change: c.556A>G on transcript NM_000053.4 (MANE Select); coding-DNA position 556, A replaced by G.
Protein change: p.Thr186Ala; replaces threonine 186 with alanine.
Molecular consequence: missense variant.
Genome position (GRCh38, 1-based): chr13:51,974,664, T>C on the plus strand (A>G on the coding strand, the complement: ATP7B is on the minus strand). VCF-style: chr13-51974664-T-C. GRCh37 (hg19) VCF-style: chr13-52548800-T-C.
Other names: c.556A>G, p.Thr186Ala (NM_001005918.3, NM_001243182.2, NM_001330578.2 and 30 more transcripts); c.460A>G, p.Thr154Ala (NM_001406517.1, NM_001406518.1, NM_001406530.1 and 4 more transcripts); short protein forms T154A, T186A.
Identifiers: ClinVar variation 2161882 (VCV002161882.4), dbSNP rs1457309985, ClinGen allele CA388042738.